The following is an entry in ClinVar:

ClinVar aggregate classification (germline): Uncertain significance (1 of 4 stars; one submission).

Conditions:
Gastrointestinal stromal tumor. Also called: Gastrointestinal stroma tumor; Gastrointestinal stromal tumor, somatic. Identifiers: Orphanet 44890, MedGen C0238198, MeSH D046152, MONDO:0011719, OMIM 606764, HP:0100723.

Submission:

Labcorp Genetics (formerly Invitae), Labcorp
Classification: Uncertain significance for Gastrointestinal stromal tumor. Last evaluated: 2022-05-02. Review status: criteria provided, single submitter. Criteria: Invitae Variant Classification Sherloc (09022015). Collection method: clinical testing. Allele origin: germline.
Comment: This sequence change replaces arginine, which is basic and polar, with proline, which is neutral and non-polar, at codon 522 of the PDGFRA protein (p.Arg522Pro). This variant is not present in population databases (gnomAD no frequency). This variant has not been reported in the literature in individuals affected with PDGFRA-related conditions. Algorithms developed to predict the effect of missense changes on protein structure and function are either unavailable or do not agree on the potential impact of this missense change (SIFT: "Tolerated"; PolyPhen-2: "Possibly Damaging"; Align-GVGD: "Class C0"). In summary, the available evidence is currently insufficient to determine the role of this variant in disease. Therefore, it has been classified as a Variant of Uncertain Significance.

NM_006206.6(PDGFRA):c.1565G>C (p.Arg522Pro)

Gene: PDGFRA (platelet derived growth factor receptor alpha; plus strand). Cytogenetic location: 4q12.
Variant type: single nucleotide variant.
Coding change: c.1565G>C on transcript NM_006206.6 (MANE Select); coding-DNA position 1565, G replaced by C.
Protein change: p.Arg522Pro; replaces arginine 522 with proline.
Molecular consequence: missense variant.
Genome position (GRCh38, 1-based): chr4:54,274,537, G>C. VCF-style: chr4-54274537-G-C. GRCh37 (hg19) VCF-style: chr4-55140704-G-C.
Other names: c.1565G>C, p.Arg522Pro (NM_001347827.2, NM_001347829.2); c.1640G>C, p.Arg547Pro (NM_001347828.2); c.1604G>C, p.Arg535Pro (NM_001347830.2); short protein forms R522P, R535P, R547P.
Identifiers: ClinVar variation 2132998 (VCV002132998.4), dbSNP rs765271720, ClinGen allele CA356892833.
Genomic context (GRCh38, chr4:54,274,537, plus strand): 5'-CTGTGCATGTCTGCCAGGAAACTTTTCATTGTGCCTCTCTCTCTTGTCACGTAGCCCTGC[G>C]TTCTGAACTCACGGTGGCTGCTGCAGTCCTGGTGCTGTTGGTGATTGTGATCATCTCACT-3'
Protein context (NP_006197.1, residues 512-532): RELKLVAPTL[Arg522Pro]SELTVAAAVL